The following is an entry in ClinVar:

ClinVar aggregate classification (germline): Uncertain significance. Review status: criteria provided, multiple submitters, no conflicts (2 of 4 stars). 3 submissions from 3 submitters: Uncertain significance (3). Last evaluated 2024-09-06.

Conditions:
Hereditary cancer-predisposing syndrome. Also called: Neoplastic Syndromes, Hereditary; Tumor predisposition; Hereditary Cancer Syndrome; Hereditary neoplastic syndrome. Identifiers: Orphanet 140162, MedGen C0027672, MeSH D009386, MONDO:0015356.

Submissions (3):

Ambry Genetics
Classification: Uncertain significance for Hereditary cancer-predisposing syndrome. Last evaluated: 2024-09-06. Review status: criteria provided, single submitter. Criteria: Ambry Variant Classification Scheme 2023. Collection method: clinical testing. Allele origin: germline.
Comment: The p.A197V variant (also known as c.590C>T), located in coding exon 1 of the HOXB13 gene, results from a C to T substitution at nucleotide position 590. The alanine at codon 197 is replaced by valine, an amino acid with similar properties. This amino acid position is not well conserved in available vertebrate species. In addition, this alteration is predicted to be tolerated by in silico analysis. Based on the available evidence, the clinical significance of this variant remains unclear.

Labcorp Genetics (formerly Invitae), Labcorp
Classification: Uncertain significance. Last evaluated: 2024-02-09. Review status: criteria provided, single submitter. Criteria: Invitae Variant Classification Sherloc (09022015). Collection method: clinical testing. Allele origin: germline.
Comment: This sequence change replaces alanine, which is neutral and non-polar, with valine, which is neutral and non-polar, at codon 197 of the HOXB13 protein (p.Ala197Val). This variant is not present in population databases (gnomAD no frequency). This variant has not been reported in the literature in individuals affected with HOXB13-related conditions. ClinVar contains an entry for this variant (Variation ID: 483525). Advanced modeling of protein sequence and biophysical properties (such as structural, functional, and spatial information, amino acid conservation, physicochemical variation, residue mobility, and thermodynamic stability) performed at Invitae indicates that this missense variant is not expected to disrupt HOXB13 protein function with a negative predictive value of 80%. Algorithms developed to predict the effect of sequence changes on RNA splicing suggest that this variant may disrupt the consensus splice site. In summary, the available evidence is currently insufficient to determine the role of this variant in disease. Therefore, it has been classified as a Variant of Uncertain Significance.

GeneDx
Classification: Uncertain significance. Last evaluated: 2022-12-30. Review status: criteria provided, single submitter. Criteria: GeneDx Variant Classification Process June 2021. Collection method: clinical testing. Allele origin: germline. Affected: yes.
Comment: Not observed at significant frequency in large population cohorts (gnomAD); In silico analysis supports a deleterious effect on splicing; In silico analysis supports that this missense variant does not alter protein structure/function; Has not been previously published as pathogenic or benign to our knowledge

NM_006361.6(HOXB13):c.590C>T (p.Ala197Val)

Gene: HOXB13 (homeobox B13; minus strand). Cytogenetic location: 17q21.32.
Variant type: single nucleotide variant.
Coding change: c.590C>T on transcript NM_006361.6 (MANE Select); coding-DNA position 590, C replaced by T.
Protein change: p.Ala197Val; replaces alanine 197 with valine.
Molecular consequence: missense variant.
Genome position (GRCh38, 1-based): chr17:48,728,004, G>A on the plus strand (C>T on the coding strand, the complement: HOXB13 is on the minus strand). VCF-style: chr17-48728004-G-A. GRCh37 (hg19) VCF-style: chr17-46805366-G-A.
Other names: short protein forms A197V.
Identifiers: ClinVar variation 483525 (VCV000483525.10), dbSNP rs1380144773, ClinGen allele CA400107117.